The following is an entry in ClinVar:

NM_007294.4(BRCA1):c.5406A>C (p.Thr1802=)

Gene: BRCA1 (BRCA1 DNA repair associated; minus strand). Cytogenetic location: 17q21.31.
Variant type: single nucleotide variant.
Coding change: c.5406A>C on transcript NM_007294.4 (MANE Select); coding-DNA position 5406, A replaced by C.
Protein change: p.Thr1802=; no amino-acid change (threonine 1802 retained).
Molecular consequence: synonymous variant. On other transcripts: intron variant (19).
Genome position (GRCh38, 1-based): chr17:43,049,121, T>G on the plus strand (A>C on the coding strand, the complement: BRCA1 is on the minus strand). VCF-style: chr17-43049121-T-G. GRCh37 (hg19) VCF-style: chr17-41201138-T-G.
Other names: T1802T; 5525A>C; c.5025A>C, p.Thr1675= (NM_001407959.1); c.5022A>C, p.Thr1674= (NM_001407960.1, NM_001407962.1); c.5019A>C, p.Thr1673= (NM_001407963.1); c.4944A>C, p.Thr1648= (NM_001407964.1); c.4899A>C, p.Thr1633= (NM_001407965.1); c.4518A>C, p.Thr1506= (NM_001407966.1); and 86 more.
Identifiers: ClinVar variation 252887 (VCV000252887.26), dbSNP rs879255493, ClinGen allele CA10586115.

ClinVar aggregate classification (germline): Likely benign. Review status: reviewed by expert panel (3 of 4 stars). 10 submissions from 10 submitters: Likely benign (1). 9 of the submissions do not count toward it. Last evaluated 2017-06-29.

Conditions:
Hereditary cancer-predisposing syndrome. Also called: Hereditary Cancer Syndrome; Neoplastic Syndromes, Hereditary; Hereditary neoplastic syndrome; Tumor predisposition. Identifiers: Orphanet 140162, MedGen C0027672, MeSH D009386, MONDO:0015356.
Breast-ovarian cancer, familial, susceptibility to, 1 (BROVCA1). Also called: BRCA1 Hereditary Breast and Ovarian Cancer; OVARIAN CANCER, SUSCEPTIBILITY TO. Identifiers: Orphanet 145, MedGen C2676676, MONDO:0011450, OMIM 604370. Disease mechanism: loss of function.
Fanconi anemia, complementation group S (FANCS). Identifiers: MedGen C4554406, MONDO:0054748, OMIM 617883.
Familial cancer of breast. Also called: BREAST CANCER, FAMILIAL; hereditary breast carcinoma; Hereditary breast cancer. Identifiers: Orphanet 227535, MedGen C0346153, MONDO:0016419, OMIM 114480. Disease mechanism: loss of function.
Pancreatic cancer, susceptibility to, 4. Identifiers: Orphanet 1333, MedGen C3280442, MONDO:0013685, OMIM 614320.
Hereditary breast ovarian cancer syndrome. Also called: Hereditary breast and ovarian cancer syndrome (HBOC); Breast and ovarian cancer; Hereditary breast and ovarian cancer syndrome; Hereditary breast and ovarian cancer; BRCA1- and BRCA2-Associated Hereditary Breast and Ovarian Cancer; Hereditary breast and/or ovarian cancer syndrome. Identifiers: Orphanet 145, MedGen C0677776, MeSH D061325, MONDO:0003582. Disease mechanism: loss of function.

Allele frequency attached by ClinVar (database versions not stated): gnomAD exomes below 0.00001.
gnomAD v4.1: 3 of 1,613,740 alleles (0.00019%); highest among the groups gnomAD compares: Non-Finnish European, 0.00025%; no homozygotes.

Submissions (11):

Evidence-based Network for the Interpretation of Germline Mutant Alleles (ENIGMA)
Classification: Likely benign for Breast-ovarian cancer, familial, susceptibility to, 1. Last evaluated: 2017-06-29. Review status: reviewed by expert panel. Criteria: ENIGMA BRCA1/2 Classification Criteria (2017-06-29). Collection method: curation. Allele origin: germline.
Comment: Synonymous substitution variant, with low bioinformatic likelihood to result in a splicing aberration (Splicing prior probability 0.04).

Labcorp Genetics (formerly Invitae), Labcorp
Classification: Likely benign for Hereditary breast ovarian cancer syndrome. Last evaluated: 2024-07-15. Review status: criteria provided, single submitter. Criteria: Invitae Variant Classification Sherloc (09022015). Collection method: clinical testing. Allele origin: germline. Not counted in ClinVar's aggregate classification.

All of Us Research Program, National Institutes of Health
Classification: Likely benign for Breast-ovarian cancer, familial, susceptibility to, 1. Last evaluated: 2023-03-04. Review status: criteria provided, single submitter. Criteria: ACMG Guidelines, 2015. Collection method: clinical testing. Allele origin: germline. Inheritance: Autosomal dominant inheritance. Observed: 1 variant allele, 1 heterozygote. Not counted in ClinVar's aggregate classification.
Comment: This study involves interpretation of variants in research participants for the purpose of population health screening. Participant phenotype was not available at the time of variant classification. Additional details can be found in publication PMID: 35346344, PMCID: PMC8962531

Fulgent Genetics
Classification: Likely benign for Familial cancer of breast; Breast-ovarian cancer, familial, susceptibility to, 1; Pancreatic cancer, susceptibility to, 4; Fanconi anemia, complementation group S. Last evaluated: 2022-05-16. Review status: criteria provided, single submitter. Criteria: ACMG Guidelines, 2015. Collection method: clinical testing. Allele origin: unknown. Not counted in ClinVar's aggregate classification.

Women's Health and Genetics/Laboratory Corporation of America, LabCorp
Classification: Likely benign. Last evaluated: 2022-04-18. Review status: criteria provided, single submitter. Criteria: LabCorp Variant Classification Summary - May 2015. Collection method: clinical testing. Allele origin: germline. Not counted in ClinVar's aggregate classification.
Comment: Variant summary: BRCA1 c.5406A>C (p.Thr1802Thr) alters a non-conserved nucleotide located close to a canonical splice site and therefore could affect mRNA splicing, leading to a significantly altered protein sequence. 4/4 computational tools predict no significant impact on normal splicing. The variant was absent in 251420 control chromosomes (gnomAD). The available data on variant occurrences in the general population are insufficient to allow any conclusion about variant significance. To our knowledge, no occurrence of c.5406A>C in individuals affected with Hereditary Breast and Ovarian Cancer Syndrome has been reported. An in vitro study that assessed the effect of the variant in a haploid human cell line whose survival is dependent on intact BRCA1 function, demonstrated no damaging effect of this variant (Findlay 2018). Six submitters, including an expert panel (ENIGMA), have provided clinical-significance assessments for this variant in ClinVar after 2014, and all classified the variant as likely benign. Based on the evidence outlined above, the variant was classified as likely benign.

GeneDx
Classification: Likely benign. Last evaluated: 2018-06-07. Review status: criteria provided, single submitter. Criteria: GeneDx Variant Classification Process June 2021. Collection method: clinical testing. Allele origin: germline. Affected: yes. Not counted in ClinVar's aggregate classification.
Comment: This variant is associated with the following publications: (PMID: 30209399)

Ambry Genetics
Classification: Likely benign for Hereditary cancer-predisposing syndrome. Last evaluated: 2018-05-10. Review status: criteria provided, single submitter. Criteria: Ambry Variant Classification Scheme 2023. Collection method: clinical testing. Allele origin: germline. Not counted in ClinVar's aggregate classification.

Color Diagnostics, LLC DBA Color Health
Classification: Likely benign for Hereditary cancer-predisposing syndrome. Last evaluated: 2018-03-08. Review status: criteria provided, single submitter. Criteria: ACMG Guidelines, 2015. Collection method: clinical testing. Allele origin: germline. Not counted in ClinVar's aggregate classification.

Quest Diagnostics Nichols Institute San Juan Capistrano
Classification: Likely benign. Last evaluated: 2017-11-22. Review status: criteria provided, single submitter. Criteria: Quest Diagnostics criteria. Collection method: clinical testing. Allele origin: germline. Not counted in ClinVar's aggregate classification.

Sharing Clinical Reports Project (SCRP)
Classification: Uncertain significance for Breast-ovarian cancer, familial 1. Last evaluated: 2011-06-09. Review status: no assertion criteria provided. Collection method: clinical testing. Allele origin: germline. Not counted in ClinVar's aggregate classification.

Brotman Baty Institute, University of Washington
No classification provided (evidence only). Condition: Breast-ovarian cancer, familial 1. Review status: no classification provided. Collection method: in vitro. Allele origin: not applicable. Functional consequence: functionally_normal. Not counted in ClinVar's aggregate classification.
ClinVar note: "not provided" was previously submitted as the classification for the variant. However, the classification appeared to be based only on an observation of functional data so it was converted to no classification on 2025-07-30.

Literature cited by the submitters: PubMed 30209399 (cited by Women's Health and Genetics/Laboratory Corporation of America, LabCorp).